The following is an entry in ClinVar:

ClinVar aggregate classification (germline): Likely benign. Review status: criteria provided, multiple submitters, no conflicts (2 of 4 stars). 3 submissions from 3 submitters: Likely benign (2). 1 of the submissions does not count toward it. Last evaluated 2026-02-01.

Conditions:
STAC3-related disorder. Also called: STAC3-related condition.
Bailey-Bloch congenital myopathy (CMYO13). Also called: STAC3 disorder; Native American myopathy; Congenital myopathy 13. Identifiers: Orphanet 168572, MedGen C1850625, MONDO:0009722, OMIM 255995.

Allele frequency attached by ClinVar (database versions not stated): ExAC 0.00011; gnomAD exomes 0.00011 and 0.00029; TOPMed 0.00014; ESP Exome Variant Server 0.00015; gnomAD 0.00016.
gnomAD v4.1: 439 of 1,614,056 alleles (0.027%); highest among the groups gnomAD compares: Non-Finnish European, 0.036%; no homozygotes.

Submissions (3):

Labcorp Genetics (formerly Invitae), Labcorp
Classification: Likely benign for Bailey-Bloch congenital myopathy. Last evaluated: 2026-02-01. Review status: criteria provided, single submitter. Criteria: Invitae Variant Classification Sherloc (09022015). Collection method: clinical testing. Allele origin: germline.

Blueprint Genetics
Classification: Likely benign. Last evaluated: 2024-04-23. Review status: criteria provided, single submitter. Criteria: ACMG Guidelines, 2015. Collection method: clinical testing. Allele origin: germline.

PreventionGenetics, part of Exact Sciences
Classification: Likely benign for STAC3-related condition. Last evaluated: 2020-01-02. Review status: no assertion criteria provided. Collection method: clinical testing. Allele origin: germline. Not counted in ClinVar's aggregate classification.
Comment: This variant is classified as likely benign based on ACMG/AMP sequence variant interpretation guidelines (Richards et al. 2015 PMID: 25741868, with internal and published modifications).

NM_145064.3(STAC3):c.870G>A (p.Gly290=)

Gene: STAC3 (SH3 and cysteine rich domain 3; minus strand). Cytogenetic location: 12q13.3.
Variant type: single nucleotide variant.
Coding change: c.870G>A on transcript NM_145064.3 (MANE Select); coding-DNA position 870, G replaced by A.
Protein change: p.Gly290=; no amino-acid change (glycine 290 retained).
Molecular consequence: synonymous variant. On other transcripts: non-coding transcript variant (1).
Genome position (GRCh38, 1-based): chr12:57,244,214, C>T on the plus strand (G>A on the coding strand, the complement: STAC3 is on the minus strand). VCF-style: chr12-57244214-C-T. GRCh37 (hg19) VCF-style: chr12-57637997-C-T.
Other names: c.753G>A, p.Gly251= (NM_001286256.2); c.312G>A, p.Gly104= (NM_001286257.2).
Identifiers: ClinVar variation 705061 (VCV000705061.14), dbSNP rs142117531, ClinGen allele CA6646957.